The following is an entry in ClinVar:

NM_152468.5(TMC8):c.1973C>T (p.Ser658Phe)

Gene: TMC8 (transmembrane channel like 8; plus strand). Cytogenetic location: 17q25.3.
Variant type: single nucleotide variant.
Coding change: c.1973C>T on transcript NM_152468.5 (MANE Select); coding-DNA position 1973, C replaced by T.
Protein change: p.Ser658Phe; replaces serine 658 with phenylalanine.
Molecular consequence: missense variant.
Genome position (GRCh38, 1-based): chr17:78,140,904, C>T. VCF-style: chr17-78140904-C-T. GRCh37 (hg19) VCF-style: chr17-76136985-C-T.
Other names: short protein forms S658F.
Identifiers: ClinVar variation 1350381 (VCV001350381.4), dbSNP rs1490535318, ClinGen allele CA401254280.

ClinVar aggregate classification (germline): Uncertain significance (1 of 4 stars; one submission).

Conditions:
Epidermodysplasia verruciformis. Identifiers: Orphanet 302, MedGen C0014522, MONDO:0009176.

Allele frequency attached by ClinVar (database versions not stated): gnomAD exomes below 0.00001; gnomAD 0.00001; TOPMed 0.00001.

Submission:

Labcorp Genetics (formerly Invitae), Labcorp
Classification: Uncertain significance for Epidermodysplasia verruciformis. Last evaluated: 2022-06-13. Review status: criteria provided, single submitter. Criteria: Invitae Variant Classification Sherloc (09022015). Collection method: clinical testing. Allele origin: germline.
Comment: In summary, the available evidence is currently insufficient to determine the role of this variant in disease. Therefore, it has been classified as a Variant of Uncertain Significance. Algorithms developed to predict the effect of missense changes on protein structure and function output the following: SIFT: "Deleterious"; PolyPhen-2: "Benign"; Align-GVGD: "Class C0". The phenylalanine amino acid residue is found in multiple mammalian species, which suggests that this missense change does not adversely affect protein function. This variant has not been reported in the literature in individuals affected with TMC8-related conditions. This variant is not present in population databases (gnomAD no frequency). This sequence change replaces serine, which is neutral and polar, with phenylalanine, which is neutral and non-polar, at codon 658 of the TMC8 protein (p.Ser658Phe).